The following is an entry in ClinVar:

ClinVar aggregate classification (germline): Uncertain significance (0 of 4 stars; one submission).

Conditions:
NCOA1-related disorder. Also called: NCOA1-related condition.

Submission:

PreventionGenetics, part of Exact Sciences
Classification: Uncertain significance for NCOA1-related condition. Last evaluated: 2024-06-17. Review status: no assertion criteria provided. Collection method: clinical testing. Allele origin: germline.
Comment: The NCOA1 c.3282G>C variant is predicted to result in the amino acid substitution p.Met1094Ile. To our knowledge, this variant has not been reported in the literature. This variant is reported in 0.0062% of alleles in individuals of African descent in gnomAD. At this time, the clinical significance of this variant is uncertain due to the absence of conclusive functional and genetic evidence.

NM_003743.5(NCOA1):c.3282G>C (p.Met1094Ile)

Gene: NCOA1 (nuclear receptor coactivator 1; plus strand). Cytogenetic location: 2p23.3.
Variant type: single nucleotide variant.
Coding change: c.3282G>C on transcript NM_003743.5 (MANE Select); coding-DNA position 3282, G replaced by C.
Protein change: p.Met1094Ile; replaces methionine 1094 with isoleucine.
Molecular consequence: missense variant.
Genome position (GRCh38, 1-based): chr2:24,739,512, G>C. VCF-style: chr2-24739512-G-C. GRCh37 (hg19) VCF-style: chr2-24962381-G-C.
Other names: c.3282G>C, p.Met1094Ile (NM_001362950.1, NM_001362952.1, NM_001362954.1 and 3 more transcripts); short protein forms M1094I.
Identifiers: ClinVar variation 3357893 (VCV003357893.1).